The following is an entry in ClinVar:

ClinVar aggregate classification (germline): Conflicting classifications of pathogenicity. Review status: criteria provided, conflicting classifications (1 of 4 stars). 4 submissions from 4 submitters: Uncertain significance (1); Likely benign (2). 1 of the submissions does not count toward it. Last evaluated 2025-12-01.

Conditions:
COL7A1-related disorder. Also called: COL7A1- related disorders; COL7A1-related condition.
Epidermolysis bullosa dystrophica. Also called: Dystrophic epidermolysis bullosa, Hallopeau-Siemens type (formerly); Dystrophic epidermolysis bullosa. Identifiers: Orphanet 303, MedGen C0079294, MONDO:0006543.

Allele frequency attached by ClinVar (database versions not stated): ExAC 0.00002; ESP Exome Variant Server 0.00008; gnomAD 0.00009 and 0.00010; TOPMed 0.00010.
gnomAD v4.1: 175 of 1,613,826 alleles (0.011%); highest among the groups gnomAD compares: Non-Finnish European, 0.014%; no homozygotes.

Submissions (4):

Labcorp Genetics (formerly Invitae), Labcorp
Classification: Likely benign. Last evaluated: 2025-12-01. Review status: criteria provided, single submitter. Criteria: Invitae Variant Classification Sherloc (09022015). Collection method: clinical testing. Allele origin: germline.

Blueprint Genetics
Classification: Likely benign. Last evaluated: 2024-07-18. Review status: criteria provided, single submitter. Criteria: ACMG Guidelines, 2015. Collection method: clinical testing. Allele origin: germline.

Illumina Laboratory Services, Illumina
Classification: Uncertain significance for Dystrophic epidermolysis bullosa. Last evaluated: 2018-01-13. Review status: criteria provided, single submitter. Criteria: ICSL Variant Classification Criteria 13 December 2019. Collection method: clinical testing. Allele origin: germline.

PreventionGenetics, part of Exact Sciences
Classification: Likely benign for COL7A1-related condition. Last evaluated: 2019-03-20. Review status: no assertion criteria provided. Collection method: clinical testing. Allele origin: germline. Not counted in ClinVar's aggregate classification.
Comment: This variant is classified as likely benign based on ACMG/AMP sequence variant interpretation guidelines (Richards et al. 2015 PMID: 25741868, with internal and published modifications).

NM_000094.4(COL7A1):c.4485C>T (p.Gly1495=)

Gene: COL7A1 (collagen type VII alpha 1 chain; minus strand). Cytogenetic location: 3p21.31.
Variant type: single nucleotide variant.
Coding change: c.4485C>T on transcript NM_000094.4 (MANE Select); coding-DNA position 4485, C replaced by T.
Protein change: p.Gly1495=; no amino-acid change (glycine 1495 retained).
Molecular consequence: synonymous variant.
Genome position (GRCh38, 1-based): chr3:48,583,046, G>A on the plus strand (C>T on the coding strand, the complement: COL7A1 is on the minus strand). VCF-style: chr3-48583046-G-A. GRCh37 (hg19) VCF-style: chr3-48620479-G-A.
Identifiers: ClinVar variation 903332 (VCV000903332.11), dbSNP rs367958901, ClinGen allele CA2379994.
Genomic context (GRCh38, chr3:48,583,046, plus strand): 5'-TATGAGCATTGCAGCCAGTGGGTTTACCCGGGATCCCGCTGGGCCTGGGGGTCCACGTTC[G>A]CCCTGATGGAAAAGAAGAGGTCAGAGCTGAGTTGGGCCCAGATCCTCCAGGGCCCTTGGC-3'
Protein context (NP_000085.1, residues 1485-1505): PGPLGEAGEK[Gly1495=]ERGPPGPAGS